The following is an entry in ClinVar:

NM_000709.4(BCKDHA):c.196G>T (p.Glu66Ter)

Gene: BCKDHA (branched chain keto acid dehydrogenase E1 subunit alpha; plus strand). Cytogenetic location: 19q13.2.
Variant type: single nucleotide variant.
Coding change: c.196G>T on transcript NM_000709.4 (MANE Select); coding-DNA position 196, G replaced by T.
Protein change: p.Glu66Ter; replaces glutamic acid 66 with a stop codon.
Molecular consequence: nonsense.
Genome position (GRCh38, 1-based): chr19:41,410,724, G>T. VCF-style: chr19-41410724-G-T. GRCh37 (hg19) VCF-style: chr19-41916629-G-T.
Other names: c.196G>T, p.Glu66Ter (NM_001164783.2); short protein forms E66*.
Identifiers: ClinVar variation 984330 (VCV000984330.4), dbSNP rs2039242789, ClinGen allele CA406004719.

ClinVar aggregate classification (germline): Likely pathogenic. Review status: criteria provided, multiple submitters, no conflicts (2 of 4 stars). 2 submissions from 2 submitters: Likely pathogenic (2). Last evaluated 2022-06-08.

Conditions:
Maple syrup urine disease (MSUD). Identifiers: Orphanet 511, MedGen C0024776, MeSH D008375, MONDO:0009563. Disease mechanism: loss of function.

Submissions (2):

Baylor Genetics
Classification: Likely pathogenic for Maple syrup urine disease type 1A. Last evaluated: 2022-06-08. Review status: criteria provided, single submitter. Criteria: ACMG Guidelines, 2015. Collection method: clinical testing. Allele origin: unknown.

Myriad Genetics, Inc.
Classification: Likely pathogenic for Maple syrup urine disease type 1A. Last evaluated: 2019-12-28. Review status: criteria provided, single submitter. Criteria: Myriad Women's Health Autosomal Recessive and X-Linked Classification Criteria (2019). Collection method: clinical testing. Allele origin: unknown.
Comment: NM_000709.3(BCKDHA):c.196G>T(E66*) is expected to be pathogenic in the context of maple syrup urine disease type Ia. This variant is predicted to lead to an abnormal or absent protein product due to the creation of a premature termination codon in BCKDHA, a gene where loss-of-function variants are known to be pathogenic. Please note: this variant was assessed in the context of healthy population screening.